The following is an entry in ClinVar:

ClinVar aggregate classification (germline): Uncertain significance. Review status: criteria provided, multiple submitters, no conflicts (2 of 4 stars). 4 submissions from 4 submitters: Uncertain significance (4). Last evaluated 2025-12-15.

Conditions:
TTN-related disorder. Also called: TTN-related condition; TTN-related disease; TTN-related disorders.

Allele frequency attached by ClinVar (database versions not stated): ESP Exome Variant Server 0.00008; gnomAD 0.00009; TOPMed 0.00009; ExAC 0.00011; gnomAD exomes 0.00011 and 0.00013.
gnomAD v4.1: 202 of 1,610,106 alleles (0.013%); highest among the groups gnomAD compares: Admixed American, 0.025%; 1 homozygote.

Submissions (4):

PreventionGenetics, part of Exact Sciences
Classification: Uncertain significance for TTN-related condition. Last evaluated: 2025-12-15. Review status: criteria provided, single submitter. Criteria: ACMG Guidelines, 2015. Collection method: clinical testing. Allele origin: germline.
Comment: The TTN c.11312-4463A>G variant is predicted to interfere with splicing. Of note, this variant is also referred to as c.16016A>G (p.Asp5339Gly), located in exon 46 of the alternative Novex-3 transcript NM_133379 (minor small cardiac isoform). This exon is not included in any other TTN transcripts (principle cardiac or skeletal muscle isoforms). To our knowledge, this variant has not been reported in the literature. This variant is reported in 0.023% of alleles in individuals of Latino descent in gnomAD. Although we suspect that this variant may be benign, at this time, the clinical significance of this variant is uncertain due to the absence of conclusive functional and genetic evidence.

Eurofins Ntd Llc (ga)
Classification: Uncertain significance. Last evaluated: 2017-05-04. Review status: criteria provided, single submitter. Criteria: EGL Classification Definitions 2015. Collection method: clinical testing. Allele origin: germline. Observed: 1 variant allele, 1 heterozygote.

CeGaT Center for Human Genetics Tuebingen
Classification: Uncertain significance. Last evaluated: 2016-05-01. Review status: criteria provided, single submitter. Criteria: CeGaT Center For Human Genetics Tuebingen Variant Classification Criteria Version 2. Collection method: clinical testing. Allele origin: germline. Affected: yes. Observed: 1 variant allele.

Laboratory for Molecular Medicine, Mass General Brigham Personalized Medicine
Classification: Uncertain significance. Last evaluated: 2015-09-28. Review status: criteria provided, single submitter. Criteria: LMM Criteria. Collection method: clinical testing. Allele origin: germline. Observed: 1 variant allele.
Comment: The p.Asp5339Gly variant in TTN has not been previously reported in individuals with cardiomyopathy but has been identified in 9/66062 European chromosomes and 4/11372 Latino chromosomes by the Exome Aggregation Consortium (ExAC; dbSNP rs372997814). Computational prediction tools and con servation analysis do not provide strong support for or against an impact to the protein. In summary, the clinical significance of the p.Asp5339Gly variant is u ncertain.

NM_133379.5(TTN):c.16016A>G (p.Asp5339Gly)

Gene: TTN (titin; minus strand). Cytogenetic location: 2q31.2.
Variant type: single nucleotide variant.
Coding change: c.16016A>G on transcript NM_133379.5; coding-DNA position 16016, A replaced by G.
Protein change: p.Asp5339Gly; replaces aspartic acid 5339 with glycine.
Molecular consequence: missense variant. On other transcripts: intron variant (6).
Genome position (GRCh38, 1-based): chr2:178,746,384, T>C on the plus strand (A>G on the coding strand, the complement: TTN is on the minus strand). VCF-style: chr2-178746384-T-C. GRCh37 (hg19) VCF-style: chr2-179611111-T-C.
Other names: c.10223-4463A>G (NM_003319.4); c.10799-4463A>G (NM_133437.4); c.10598-4463A>G (NM_133432.3); c.10360+6740A>G (NM_133378.4); c.10361-4463A>G (NM_001256850.1); c.11312-4463A>G (NM_001267550.2); short protein forms D5339G.
Identifiers: ClinVar variation 229589 (VCV000229589.52), dbSNP rs372997814, ClinGen allele CA2003011.